The following is an entry in ClinVar:

NM_002485.5(NBN):c.167A>C (p.Asn56Thr)

Gene: NBN (nibrin; minus strand). Cytogenetic location: 8q21.3.
Variant type: single nucleotide variant.
Coding change: c.167A>C on transcript NM_002485.5 (MANE Select); coding-DNA position 167, A replaced by C.
Protein change: p.Asn56Thr; replaces asparagine 56 with threonine.
Molecular consequence: missense variant. On other transcripts: 5 prime UTR variant (3).
Genome position (GRCh38, 1-based): chr8:89,982,726, T>G on the plus strand (A>C on the coding strand, the complement: NBN is on the minus strand). VCF-style: chr8-89982726-T-G. GRCh37 (hg19) VCF-style: chr8-90994954-T-G.
Other names: c.-130A>C (NM_001024688.3, NM_001440380.1); c.-80A>C (NM_001440379.1); short protein forms N56T.
Identifiers: ClinVar variation 5025409 (VCV005025409.1).
Genomic context (GRCh38, chr8:89,982,726, plus strand): 5'-ATTTTGTGATTTCAACCCCCTTACTGGAAACTAGTGAAATAAAATTAGTAACATACCAGG[T>G]TGGTTACAGAAAAGTTAGCAGTTAACACAGCATGATTTCGGCTGATCGACTGATCATTTT-3'
Protein context (NP_002476.2, residues 46-66): AVLTANFSVT[Asn56Thr]LSQTDEIPVL

ClinVar aggregate classification (germline): Uncertain significance (1 of 4 stars; one submission).

Conditions:
Hereditary cancer-predisposing syndrome. Also called: Neoplastic Syndromes, Hereditary; Tumor predisposition; Hereditary neoplastic syndrome; Hereditary Cancer Syndrome. Identifiers: Orphanet 140162, MedGen C0027672, MeSH D009386, MONDO:0015356.

Submission:

Ambry Genetics
Classification: Uncertain significance for Hereditary cancer-predisposing syndrome. Last evaluated: 2026-07-06. Review status: criteria provided, single submitter. Criteria: Ambry Variant Classification Scheme 2023. Collection method: clinical testing. Allele origin: germline.
Comment: The p.N56T variant (also known as c.167A>C), located in coding exon 2 of the NBN gene, results from an A to C substitution at nucleotide position 167. The asparagine at codon 56 is replaced by threonine, an amino acid with similar properties. This amino acid position is conserved. In addition, this alteration is predicted to be tolerated by in silico analysis. Based on the available evidence, the clinical significance of this variant remains unclear.